The following is an entry in ClinVar:

ClinVar aggregate classification (germline): Likely pathogenic (1 of 4 stars; one submission).

Conditions:
Methylcobalamin deficiency type cblG (HMAG). Also called: Functional methionine synthase deficiency type cblG; HOMOCYSTINURIA-MEGALOBLASTIC ANEMIA DUE TO DEFECT IN COBALAMIN METABOLISM, cblG COMPLEMENTATION TYPE; HOMOCYSTINURIA-MEGALOBLASTIC ANEMIA, cblG TYPE; HOMOCYSTINURIA-MEGALOBLASTIC ANEMIA, cblG COMPLEMENTATION TYPE. Identifiers: Orphanet 2170, Orphanet 622, MedGen C1855128, MONDO:0009609, OMIM 250940.

Submission:

Women's Health and Genetics/Laboratory Corporation of America, LabCorp
Classification: Likely pathogenic for Methylcobalamin deficiency type cblG. Last evaluated: 2025-04-09. Review status: criteria provided, single submitter. Criteria: LabCorp Variant Classification Summary - May 2015. Collection method: clinical testing. Allele origin: germline.
Comment: Variant summary: MTR c.2044-1_2047delGGGCA is located in a canonical splice-site and is predicted to affect mRNA splicing resulting in a significantly altered protein due to either exon skipping, shortening, or inclusion of intronic material. Variants that disrupt the consensus splice site are a relatively common cause of aberrant splicing and loss of MTR function. Several computational tools predict a significant impact on normal splicing: Four predict the variant abolishes a 3' acceptor site. However, these predictions have yet to be confirmed by functional studies. The frequency data for this variant in gnomAD is considered unreliable, as metrics indicate poor data quality at this position. To our knowledge, no occurrence of c.2044-1_2047delGGGCA in individuals affected with Methylcobalamin deficiency type cblG and no experimental evidence demonstrating its impact on protein function have been reported. No submitters have cited clinical-significance assessments for this variant to ClinVar. Based on the evidence outlined above, the variant was classified as likely pathogenic.

NM_000254.3(MTR):c.2044-1_2047del

Gene: MTR (5-methyltetrahydrofolate-homocysteine methyltransferase; plus strand). Cytogenetic location: 1q43.
Variant type: Deletion.
Coding change: c.2044-1_2047del on transcript NM_000254.3 (MANE Select); the canonical splice acceptor site of the intron before coding-DNA position 2044 through coding-DNA position 2047, 5 bases deleted (GGGCA; older notation c.2044-1_2047delGGGCA).
Molecular consequence: splice acceptor variant. On other transcripts: intron variant (1).
Genome position (GRCh38, 1-based): chr1:236,861,124-236,861,128, GGGCA deleted; deleting any 5 consecutive bases within chr1:236,861,123-236,861,128 gives the same sequence; the c. name uses the placement nearest the transcript's 3' end. VCF-style (leftmost placement, unchanged base first): chr1-236861122-TAGGGC-T. GRCh37 (hg19) VCF-style: chr1-237024422-TAGGGC-T.
Other names: c.2044-1112_2044-1108del (NM_001291939.1); c.2044-1_2047del (NM_001410942.1); c.823-1_826del (NM_001291940.2); c.2044-1_2047delGGGCA (NM_000254.3).
Identifiers: ClinVar variation 3896378 (VCV003896378.2).
Genomic context (GRCh38, chr1:236,861,122, plus strand): 5'-TTTTTAGGTGATTTTTTTTTTCTTTCTTTCTTTTTCTTTTTTTTTTTTTTTTGTCTTTTT[TAGGGC>T]ATTGAAAAACATATTATTGAGGATACTGAGGAAGCCAGGTTAAACCAAAAAAAATATCCC-3'